The following is an entry in ClinVar:

ClinVar aggregate classification (germline): Uncertain significance (1 of 4 stars; one submission).

Submission:

Labcorp Genetics (formerly Invitae), Labcorp
Classification: Uncertain significance. Last evaluated: 2022-10-12. Review status: criteria provided, single submitter. Criteria: Invitae Variant Classification Sherloc (09022015). Collection method: clinical testing. Allele origin: germline.
Comment: This variant is not present in population databases (gnomAD no frequency). In summary, the available evidence is currently insufficient to determine the role of this variant in disease. Therefore, it has been classified as a Variant of Uncertain Significance. Advanced modeling of protein sequence and biophysical properties (such as structural, functional, and spatial information, amino acid conservation, physicochemical variation, residue mobility, and thermodynamic stability) performed at Invitae indicates that this missense variant is not expected to disrupt POLE protein function. This variant has not been reported in the literature in individuals affected with POLE-related conditions. This sequence change replaces arginine, which is basic and polar, with threonine, which is neutral and polar, at codon 1290 of the POLE protein (p.Arg1290Thr).

NM_006231.4(POLE):c.3869G>C (p.Arg1290Thr)

Gene: POLE (DNA polymerase epsilon, catalytic subunit; minus strand). Cytogenetic location: 12q24.33.
Variant type: single nucleotide variant.
Coding change: c.3869G>C on transcript NM_006231.4 (MANE Select); coding-DNA position 3869, G replaced by C.
Protein change: p.Arg1290Thr; replaces arginine 1290 with threonine.
Molecular consequence: missense variant.
Genome position (GRCh38, 1-based): chr12:132,649,442, C>G on the plus strand (G>C on the coding strand, the complement: POLE is on the minus strand). VCF-style: chr12-132649442-C-G. GRCh37 (hg19) VCF-style: chr12-133226028-C-G.
Other names: short protein forms R1290T.
Identifiers: ClinVar variation 1721456 (VCV001721456.5), dbSNP rs2138608595, ClinGen allele CA387385336.